The following is an entry in ClinVar:

ClinVar aggregate classification (germline): Pathogenic (1 of 4 stars; one submission).

Conditions:
Jaberi-Elahi syndrome. Also called: NEURODEVELOPMENTAL DISORDER WITH CHARACTERISTIC FACIAL AND ECTODERMAL FEATURES AND TETRAPARESIS 2. Identifiers: MedGen C4693848, MONDO:0060711, OMIM 617988.

Submission:

3billion
Classification: Pathogenic for Jaberi-Elahi syndrome. Last evaluated: 2022-01-03. Review status: criteria provided, single submitter. Criteria: ACMG Guidelines, 2015. Collection method: clinical testing. Allele origin: germline. Affected: yes. Observed: 1 homozygote.
Comment: Frameshift: predicted to result in a loss or disruption of normal protein function through nonsense-mediated decay (NMD) or protein truncation. Multiple pathogenic variants are reported downstream of the variant (PVS1_VS). It is not observed in the gnomAD v2.1.1 dataset (PM2_M). Patient’s phenotype is considered compatible with GTPBP2-related disorder (PP4_P). Therefore, this variant is classified as pathogenic according to the recommendation of ACMG/AMP guideline.

NM_019096.5(GTPBP2):c.1053_1054del (p.Glu352fs)

Gene: GTPBP2 (GTP binding protein 2; minus strand). Cytogenetic location: 6p21.1.
Variant type: Deletion.
Coding change: c.1053_1054del on transcript NM_019096.5 (MANE Select); coding-DNA positions 1053 to 1054, 2 bases deleted (TG; older notation c.1053_1054delTG).
Protein change: p.Glu352fs; shifts the reading frame from glutamic acid 352.
Molecular consequence: frameshift variant.
Genome position (GRCh38, 1-based): chr6:43,624,556-43,624,557, CA deleted on the plus strand (TG on the coding strand, the reverse complement: GTPBP2 is on the minus strand). VCF-style (leftmost placement, unchanged base first): chr6-43624555-TCA-T. GRCh37 (hg19) VCF-style: chr6-43592292-TCA-T.
Other names: c.789_790del, p.Glu264fs (NM_001286216.2); short protein forms E264fs, E352fs.
Identifiers: ClinVar variation 1333277 (VCV001333277.3), dbSNP rs2127840239, ClinGen allele CA2573052693.